The following is an entry in ClinVar:

NM_004260.4(RECQL4):c.1601T>C (p.Leu534Pro)

Gene: RECQL4 (RecQ like helicase 4; minus strand). Cytogenetic location: 8q24.3.
Variant type: single nucleotide variant.
Coding change: c.1601T>C on transcript NM_004260.4 (MANE Select); coding-DNA position 1601, T replaced by C.
Protein change: p.Leu534Pro; replaces leucine 534 with proline.
Molecular consequence: missense variant.
Genome position (GRCh38, 1-based): chr8:144,514,955, A>G on the plus strand (T>C on the coding strand, the complement: RECQL4 is on the minus strand). VCF-style: chr8-144514955-A-G. GRCh37 (hg19) VCF-style: chr8-145740339-A-G.
Other names: short protein forms L534P.
Identifiers: ClinVar variation 1413422 (VCV001413422.6), dbSNP rs1309254569, ClinGen allele CA372683507.
Genomic context (GRCh38, chr8:144,514,955, plus strand): 5'-TTCTTGGCTGTGTACGTGTGCCCAGGGCCCTGTGTGCACACCTGGTCATCCATGAGTGAC[A>G]GCAGGGGAGAGACGACCAACGTGAGGCAGGGGCTGCGCCGGCTGTAGAGCAGCGCTGGGA-3'
Protein context (NP_004251.4, residues 524-544): PCLTLVVSPL[Leu534Pro]SLMDDQVSGL

ClinVar aggregate classification (germline): Uncertain significance (1 of 4 stars; one submission).

Conditions:
Baller-Gerold syndrome (BGS). Also called: CRANIOSYNOSTOSIS WITH RADIAL DEFECTS. Identifiers: Orphanet 1225, MedGen C0265308, MONDO:0009039, OMIM 218600.

Allele frequency attached by ClinVar (database versions not stated): gnomAD exomes below 0.00001.

Submission:

Labcorp Genetics (formerly Invitae), Labcorp
Classification: Uncertain significance for Baller-Gerold syndrome. Last evaluated: 2021-03-09. Review status: criteria provided, single submitter. Criteria: Invitae Variant Classification Sherloc (09022015). Collection method: clinical testing. Allele origin: germline.
Comment: This sequence change replaces leucine with proline at codon 534 of the RECQL4 protein (p.Leu534Pro). The leucine residue is moderately conserved and there is a moderate physicochemical difference between leucine and proline. This variant is not present in population databases (ExAC no frequency). This variant has not been reported in the literature in individuals with RECQL4-related conditions. Experimental studies and prediction algorithms are not available or were not evaluated, and the functional significance of this variant is currently unknown. In summary, the available evidence is currently insufficient to determine the role of this variant in disease. Therefore, it has been classified as a Variant of Uncertain Significance.